The following is an entry in ClinVar:

NM_000377.3(WAS):c.741C>T (p.Val247=)

Gene: WAS (WASP actin nucleation promoting factor; plus strand). Cytogenetic location: Xp11.23.
Variant type: single nucleotide variant.
Coding change: c.741C>T on transcript NM_000377.3 (MANE Select); coding-DNA position 741, C replaced by T.
Protein change: p.Val247=; no amino-acid change (valine 247 retained).
Molecular consequence: synonymous variant.
Genome position (GRCh38, 1-based): chrX:48,688,060, C>T. VCF-style: chrX-48688060-C-T. GRCh37 (hg19) VCF-style: chrX-48546449-C-T.
Other names: c.741C>T, p.Val247= (NM_001438876.1, NM_001438877.1, NM_001438878.1 and 1 more transcripts).
Identifiers: ClinVar variation 4789217 (VCV004789217.1).

ClinVar aggregate classification (germline): Uncertain significance (1 of 4 stars; one submission).

Conditions:
Thrombocytopenia 1. Also called: THROMBOCYTOPENIA, X-LINKED, 1; X-Linked Thrombocytopenia (XLT); X-linked thrombocytopenia with normal platelets. Identifiers: Orphanet 268322, Orphanet 852, MedGen C1839163, MONDO:0010743, OMIM 313900.
Wiskott-Aldrich syndrome (WAS). Also called: ALDRICH SYNDROME; IMMUNODEFICIENCY 2; WISKOTT-ALDRICH SYNDROME 1; Wiskott-aldrich syndrome, somatic. Identifiers: Orphanet 906, MedGen C0043194, MONDO:0010518, OMIM 301000.
X-linked severe congenital neutropenia (SCNX). Identifiers: Orphanet 86788, MedGen C1845987, MONDO:0010294, OMIM 300299.

gnomAD v4.1: 1 of 1,207,332 alleles (0.000083%); highest among the groups gnomAD compares: Non-Finnish European, 0.00011%; no homozygotes.

Submission:

Labcorp Genetics (formerly Invitae), Labcorp
Classification: Uncertain significance for Wiskott-Aldrich syndrome; X-linked severe congenital neutropenia; Thrombocytopenia 1. Last evaluated: 2025-03-06. Review status: criteria provided, single submitter. Criteria: Invitae Variant Classification Sherloc (09022015). Collection method: clinical testing. Allele origin: germline.
Comment: This sequence change affects codon 247 of the WAS mRNA. It is a 'silent' change, meaning that it does not change the encoded amino acid sequence of the WAS protein. This variant is not present in population databases (gnomAD no frequency). This variant has not been reported in the literature in individuals affected with WAS-related conditions. Algorithms developed to predict the effect of sequence changes on RNA splicing suggest that this variant may disrupt the consensus splice site. In summary, the available evidence is currently insufficient to determine the role of this variant in disease. Therefore, it has been classified as a Variant of Uncertain Significance.